The following is an entry in ClinVar:

ClinVar aggregate classification (germline): Uncertain significance (1 of 4 stars; one submission).

Conditions:
Susceptibility to respiratory infections associated with CD8alpha chain mutation (IMD116). Also called: Cd8 deficiency, familial; IMMUNODEFICIENCY 116. Identifiers: Orphanet 169085, MedGen C1837065, MONDO:0012161, OMIM 608957.

Allele frequency attached by ClinVar (database versions not stated): gnomAD exomes 0.00001; TOPMed 0.00001.
gnomAD v4.1: 3 of 1,613,600 alleles (0.00019%); highest among the groups gnomAD compares: Non-Finnish European, 0.00025%; no homozygotes.

Submission:

Labcorp Genetics (formerly Invitae), Labcorp
Classification: Uncertain significance for Susceptibility to respiratory infections associated with CD8alpha chain mutation. Last evaluated: 2022-02-02. Review status: criteria provided, single submitter. Criteria: Invitae Variant Classification Sherloc (09022015). Collection method: clinical testing. Allele origin: germline.
Comment: This sequence change replaces glycine, which is neutral and non-polar, with alanine, which is neutral and non-polar, at codon 176 of the CD8A protein (p.Gly176Ala). This variant is not present in population databases (gnomAD no frequency). This variant has not been reported in the literature in individuals affected with CD8A-related conditions. Algorithms developed to predict the effect of missense changes on protein structure and function (SIFT, PolyPhen-2, Align-GVGD) all suggest that this variant is likely to be tolerated. In summary, the available evidence is currently insufficient to determine the role of this variant in disease. Therefore, it has been classified as a Variant of Uncertain Significance.

NM_001768.7(CD8A):c.527G>C (p.Gly176Ala)

Gene: CD8A (CD8 subunit alpha; minus strand). Cytogenetic location: 2p11.2.
Variant type: single nucleotide variant.
Coding change: c.527G>C on transcript NM_001768.7 (MANE Select); coding-DNA position 527, G replaced by C.
Protein change: p.Gly176Ala; replaces glycine 176 with alanine.
Molecular consequence: missense variant. On other transcripts: non-coding transcript variant (2), intron variant (1).
Genome position (GRCh38, 1-based): chr2:86,789,421, C>G on the plus strand (G>C on the coding strand, the complement: CD8A is on the minus strand). VCF-style: chr2-86789421-C-G. GRCh37 (hg19) VCF-style: chr2-87016544-C-G.
Other names: c.527G>C, p.Gly176Ala (NM_001145873.1, NM_001382698.1); c.514+219G>C (NM_171827.4); short protein forms G176A.
Identifiers: ClinVar variation 2166394 (VCV002166394.1), dbSNP rs998732971, ClinGen allele CA51406892.